The following is an entry in ClinVar:

ClinVar aggregate classification (germline): Likely pathogenic (1 of 4 stars; one submission).

Conditions:
X-linked Alport syndrome (ATS1). Also called: NEPHROPATHY AND DEAFNESS, X-LINKED; COL4A5-Related Nephropathy. Identifiers: Orphanet 63, Orphanet 88917, MedGen C4746986, MONDO:0010520, OMIM 301050.

Submission:

MVZ Medizinische Genetik Mainz
Classification: Likely pathogenic for X-linked Alport syndrome. Last evaluated: 2025-11-20. Review status: criteria provided, single submitter. Criteria: UK Practice Guidelines For Variant Classification V4 01 2020. Collection method: clinical testing. Allele origin: germline. Inheritance: Autosomal dominant inheritance. Affected: yes. Observed: 1 variant allele.
Comment: ACMG Criteria: PVS1,PM2_SUP

NM_033380.3(COL4A5):c.4351G>T (p.Gly1451Ter)

Gene: COL4A5 (collagen type IV alpha 5 chain; plus strand). Cytogenetic location: Xq22.3.
Variant type: single nucleotide variant.
Coding change: c.4351G>T on transcript NM_033380.3 (MANE Select); coding-DNA position 4351, G replaced by T.
Protein change: p.Gly1451Ter; replaces glycine 1451 with a stop codon.
Molecular consequence: nonsense.
Genome position (GRCh38, 1-based): chrX:108,687,517, G>T. VCF-style: chrX-108687517-G-T. GRCh37 (hg19) VCF-style: chrX-107930747-G-T.
Other names: c.4333G>T, p.Gly1445Ter (NM_000495.5); short protein forms G1445*, G1451*.
Identifiers: ClinVar variation 4540438 (VCV004540438.1).